The following is an entry in ClinVar:

ClinVar aggregate classification (germline): Likely benign. Review status: criteria provided, multiple submitters, no conflicts (2 of 4 stars). 2 submissions from 2 submitters: Likely benign (2). Last evaluated 2025-12-08.

Allele frequency attached by ClinVar (database versions not stated): ExAC 0.00012; gnomAD exomes 0.00014 and 0.00024; TOPMed 0.00017; gnomAD 0.00019 and 0.00021; ESP Exome Variant Server 0.00031.
gnomAD v4.1: 373 of 1,613,998 alleles (0.023%); highest among the groups gnomAD compares: Non-Finnish European, 0.03%; no homozygotes.

Submissions (2):

Labcorp Genetics (formerly Invitae), Labcorp
Classification: Likely benign. Last evaluated: 2025-12-08. Review status: criteria provided, single submitter. Criteria: Invitae Variant Classification Sherloc (09022015). Collection method: clinical testing. Allele origin: germline.

CeGaT Center for Human Genetics Tuebingen
Classification: Likely benign. Last evaluated: 2022-08-01. Review status: criteria provided, single submitter. Criteria: CeGaT Center For Human Genetics Tuebingen Variant Classification Criteria Version 2. Collection method: clinical testing. Allele origin: germline. Affected: yes. Observed: 1 variant allele.
Comment: CNTNAP1: BP4, BP7

NM_003632.3(CNTNAP1):c.2553C>T (p.Ala851=)

Gene: CNTNAP1 (contactin associated protein 1; plus strand). Cytogenetic location: 17q21.2.
Variant type: single nucleotide variant.
Coding change: c.2553C>T on transcript NM_003632.3 (MANE Select); coding-DNA position 2553, C replaced by T.
Protein change: p.Ala851=; no amino-acid change (alanine 851 retained).
Molecular consequence: synonymous variant.
Genome position (GRCh38, 1-based): chr17:42,692,521, C>T. VCF-style: chr17-42692521-C-T. GRCh37 (hg19) VCF-style: chr17-40844539-C-T.
Identifiers: ClinVar variation 758159 (VCV000758159.32), dbSNP rs138783533, ClinGen allele CA8582091.